The following is an entry in ClinVar:

ClinVar aggregate classification (germline): Uncertain significance (1 of 4 stars; one submission).

Conditions:
Singleton-Merten syndrome 1 (SGMRT1). Also called: Widened medullary cavities of bone, aortic calcification, abnormal dentition, and muscular weakness; Syndrome of widened medullary cavities of the metacarpals and phalanges, aortic calcification and abnormal dentition. Identifiers: Orphanet 85191, MedGen C4225427, MONDO:0024535, OMIM 182250.
Aicardi-Goutieres syndrome 7 (AGS7). Identifiers: Orphanet 51, MedGen C3888244, MONDO:0014367, OMIM 615846.

Submission:

Labcorp Genetics (formerly Invitae), Labcorp
Classification: Uncertain significance for Aicardi-Goutieres syndrome 7; Singleton-Merten syndrome 1. Last evaluated: 2025-07-23. Review status: criteria provided, single submitter. Criteria: Invitae Variant Classification Sherloc (09022015). Collection method: clinical testing. Allele origin: germline.
Comment: This sequence change replaces glutamic acid, which is acidic and polar, with aspartic acid, which is acidic and polar, at codon 918 of the IFIH1 protein (p.Glu918Asp). This variant is not present in population databases (gnomAD no frequency). This variant has not been reported in the literature in individuals affected with IFIH1-related conditions. An algorithm developed to predict the effect of missense changes on protein structure and function outputs the following: PolyPhen-2: "Benign". The aspartic acid amino acid residue is found in multiple mammalian species, which suggests that this missense change does not adversely affect protein function. In summary, the available evidence is currently insufficient to determine the role of this variant in disease. Therefore, it has been classified as a Variant of Uncertain Significance.

NM_022168.4(IFIH1):c.2754A>C (p.Glu918Asp)

Gene: IFIH1 (interferon induced with helicase C domain 1; minus strand). Cytogenetic location: 2q24.2.
Variant type: single nucleotide variant.
Coding change: c.2754A>C on transcript NM_022168.4 (MANE Select); coding-DNA position 2754, A replaced by C.
Protein change: p.Glu918Asp; replaces glutamic acid 918 with aspartic acid.
Molecular consequence: missense variant.
Genome position (GRCh38, 1-based): chr2:162,268,140, T>G on the plus strand (A>C on the coding strand, the complement: IFIH1 is on the minus strand). VCF-style: chr2-162268140-T-G. GRCh37 (hg19) VCF-style: chr2-163124650-T-G.
Other names: short protein forms E918D.
Identifiers: ClinVar variation 4789304 (VCV004789304.1).
Genomic context (GRCh38, chr2:162,268,140, plus strand): 5'-GACTCACTTGAATTCTGGGGTCATATTGACGTGATGCATTTTCTCAATTACATGGATATC[T>G]TCCCCAGAACAGGCTAGCACACTGCAGTTTTTGCAAAGGAAAGTTATTAGTGATGGGTTA-3'
Protein context (NP_071451.2, residues 908-928): KNCSVLACSG[Glu918Asp]DIHVIEKMHH